The following is an entry in ClinVar:

NM_001197224.4(BEAN1):c.*100G>A

Gene: BEAN1 (brain expressed associated with NEDD4 1; plus strand). Cytogenetic location: 16q21.
Variant type: single nucleotide variant.
Coding change: c.*100G>A on transcript NM_001197224.4; 100 bases downstream of the stop codon, G replaced by A.
Molecular consequence: 3 prime UTR variant.
Genome position (GRCh38, 1-based): chr16:66,493,165, G>A. VCF-style: chr16-66493165-G-A. GRCh37 (hg19) VCF-style: chr16-66527068-G-A.
Other names: NM_001197225.3:c.351G>A.
Identifiers: ClinVar variation 3039944 (VCV003039944.3), dbSNP rs527873790, ClinGen allele CA8093528.
Genomic context (GRCh38, chr16:66,493,165, plus strand): 5'-GCAGATGGTGTTCAAGATCTTCCTGGTGAGGGTCTCATGTGAAGCCGTTCTCAGAACCGC[G>A]GGCACACGGATGCTTGAGCCGGGCACAGAGAAACTCGCTAGGACCCACAGCAGGCACAGC-3'

ClinVar aggregate classification (germline): Likely benign. Review status: criteria provided, single submitter (1 of 4 stars). 2 submissions from 2 submitters: Likely benign (1). 1 of the submissions does not count toward it. Last evaluated 2023-09-14.

Conditions:
BEAN1-related disorder. Also called: BEAN1-related condition.

Allele frequency attached by ClinVar (database versions not stated): 1000 Genomes Project 30x 0.00094; gnomAD exomes 0.00023; ExAC 0.00024; 1000 Genomes Project 0.00080; TOPMed 0.00107.

Submissions (2):

Blueprint Genetics
Classification: Likely benign. Last evaluated: 2023-09-14. Review status: criteria provided, single submitter. Criteria: ACMG Guidelines, 2015. Collection method: clinical testing. Allele origin: germline.

PreventionGenetics, part of Exact Sciences
Classification: Likely benign for BEAN1-related condition. Last evaluated: 2019-03-07. Review status: no assertion criteria provided. Collection method: clinical testing. Allele origin: germline. Not counted in ClinVar's aggregate classification.
Comment: This variant is classified as likely benign based on ACMG/AMP sequence variant interpretation guidelines (Richards et al. 2015 PMID: 25741868, with internal and published modifications).